The following is an entry in ClinVar:

ClinVar aggregate classification (germline): Uncertain significance (1 of 4 stars; one submission).

Conditions:
Cardiac arrhythmia. Also called: Arrhythmia; Cardiac rhythm disease. Identifiers: MedGen C0003811, MONDO:0007263, HP:0011675.

gnomAD v4.1: 1 of 1,614,040 alleles (0.000062%); highest among the groups gnomAD compares: Non-Finnish European, 0.000085%; no homozygotes.

Submission:

Labcorp Genetics (formerly Invitae), Labcorp
Classification: Uncertain significance for Cardiac arrhythmia. Last evaluated: 2025-12-17. Review status: criteria provided, single submitter. Criteria: Invitae Variant Classification Sherloc (09022015). Collection method: clinical testing. Allele origin: germline.
Comment: This sequence change falls in intron 3 of the RANGRF gene. It does not directly change the encoded amino acid sequence of the RANGRF protein. It affects a nucleotide within the consensus splice site. This variant is present in population databases (rs761852071, gnomAD 0.0009%). This variant has not been reported in the literature in individuals affected with RANGRF-related conditions. Variants that disrupt the consensus splice site are a relatively common cause of aberrant splicing (PMID: 17576681, 9536098). Algorithms developed to predict the effect of sequence changes on RNA splicing suggest that this variant may disrupt the consensus splice site. In summary, the available evidence is currently insufficient to determine the role of this variant in disease. Therefore, it has been classified as a Variant of Uncertain Significance.

Literature cited by the submitters: PubMed 17576681; PubMed 9536098.

NM_016492.5(RANGRF):c.351+3G>T

Genes: RANGRF (RAN guanine nucleotide release factor; plus strand), SLC25A35 (solute carrier family 25 member 35; minus strand). Cytogenetic location: 17p13.1.
Variant type: single nucleotide variant.
Coding change: c.351+3G>T on transcript NM_016492.5 (MANE Select); 3 bases into the intron after coding-DNA position 351, G replaced by T.
Molecular consequence: intron variant. On other transcripts: synonymous variant (1), 3 prime UTR variant (2), non-coding transcript variant (1).
Genome position (GRCh38, 1-based): chr17:8,289,417, G>T. VCF-style: chr17-8289417-G-T. GRCh37 (hg19) VCF-style: chr17-8192735-G-T.
Other names: c.354G>T, p.Val118= (NM_001177802.2); c.*66C>A (NM_001320872.2); c.*199C>A (NM_201520.3); c.*42+157C>A (NM_001320871.2); c.351+3G>T (NM_001177801.2, NM_001330127.2).
Identifiers: ClinVar variation 4810167 (VCV004810167.1).